The following is an entry in ClinVar:

ClinVar aggregate classification (germline): Uncertain significance (1 of 4 stars; one submission).

Conditions:
Progressive myoclonic epilepsy type 7. Identifiers: Orphanet 435438, MedGen C4015420, MONDO:0014521, OMIM 616187.

Allele frequency attached by ClinVar (database versions not stated): gnomAD exomes below 0.00001.
gnomAD v4.1: 2 of 1,612,622 alleles (0.00012%); highest among the groups gnomAD compares: Non-Finnish European, 0.00017%; no homozygotes.

Submission:

Labcorp Genetics (formerly Invitae), Labcorp
Classification: Uncertain significance for Progressive myoclonic epilepsy type 7. Last evaluated: 2024-01-27. Review status: criteria provided, single submitter. Criteria: Invitae Variant Classification Sherloc (09022015). Collection method: clinical testing. Allele origin: germline.
Comment: This sequence change replaces serine, which is neutral and polar, with glycine, which is neutral and non-polar, at codon 44 of the KCNC1 protein (p.Ser44Gly). This variant is not present in population databases (gnomAD no frequency). This variant has not been reported in the literature in individuals affected with KCNC1-related conditions. Advanced modeling of protein sequence and biophysical properties (such as structural, functional, and spatial information, amino acid conservation, physicochemical variation, residue mobility, and thermodynamic stability) performed at Invitae indicates that this missense variant is not expected to disrupt KCNC1 protein function with a negative predictive value of 95%. In summary, the available evidence is currently insufficient to determine the role of this variant in disease. Therefore, it has been classified as a Variant of Uncertain Significance.

NM_001112741.2(KCNC1):c.130A>G (p.Ser44Gly)

Gene: KCNC1 (potassium voltage-gated channel subfamily C member 1; plus strand). Cytogenetic location: 11p15.1.
Variant type: single nucleotide variant.
Coding change: c.130A>G on transcript NM_001112741.2 (MANE Select); coding-DNA position 130, A replaced by G.
Protein change: p.Ser44Gly; replaces serine 44 with glycine.
Molecular consequence: missense variant.
Genome position (GRCh38, 1-based): chr11:17,736,132, A>G. VCF-style: chr11-17736132-A-G. GRCh37 (hg19) VCF-style: chr11-17757679-A-G.
Other names: c.130A>G, p.Ser44Gly (NM_004976.4); short protein forms S44G.
Identifiers: ClinVar variation 2957650 (VCV002957650.3), dbSNP rs2497736033, ClinGen allele CA379799183.